The following is an entry in ClinVar:

NM_005235.3(ERBB4):c.2108C>A (p.Thr703Lys)

Gene: ERBB4 (erb-b2 receptor tyrosine kinase 4; minus strand). Cytogenetic location: 2q34.
Variant type: single nucleotide variant.
Coding change: c.2108C>A on transcript NM_005235.3 (MANE Select); coding-DNA position 2108, C replaced by A.
Protein change: p.Thr703Lys; replaces threonine 703 with lysine.
Molecular consequence: missense variant.
Genome position (GRCh38, 1-based): chr2:211,624,016, G>T on the plus strand (C>A on the coding strand, the complement: ERBB4 is on the minus strand). VCF-style: chr2-211624016-G-T. GRCh37 (hg19) VCF-style: chr2-212488741-G-T.
Other names: c.2108C>A, p.Thr703Lys (NM_001042599.2); short protein forms T703K.
Identifiers: ClinVar variation 2963078 (VCV002963078.4), dbSNP rs568046921, ClinGen allele CA2087841.

ClinVar aggregate classification (germline): Conflicting classifications of pathogenicity. Review status: criteria provided, conflicting classifications (1 of 4 stars). 2 submissions from 2 submitters: Uncertain significance (1); Likely benign (1). Last evaluated 2025-02-09.

Conditions:
Inborn genetic diseases. Identifiers: MedGen C0950123, MeSH D030342.

Allele frequency attached by ClinVar (database versions not stated): 1000 Genomes Project 0.00020; gnomAD exomes 0.00001; ExAC 0.00004; gnomAD 0.00009; 1000 Genomes Project 30x 0.00016; TOPMed 0.00011.
gnomAD v4.1: 36 of 1,614,094 alleles (0.0022%); highest among the groups gnomAD compares: African/African-American, 0.04%; no homozygotes.

Submissions (2):

Labcorp Genetics (formerly Invitae), Labcorp
Classification: Uncertain significance. Last evaluated: 2025-02-09. Review status: criteria provided, single submitter. Criteria: Invitae Variant Classification Sherloc (09022015). Collection method: clinical testing. Allele origin: germline.
Comment: This sequence change replaces threonine, which is neutral and polar, with lysine, which is basic and polar, at codon 703 of the ERBB4 protein (p.Thr703Lys). This variant is present in population databases (rs568046921, gnomAD 0.04%). This variant has not been reported in the literature in individuals affected with ERBB4-related conditions. ClinVar contains an entry for this variant (Variation ID: 2963078). Invitae Evidence Modeling of protein sequence and biophysical properties (such as structural, functional, and spatial information, amino acid conservation, physicochemical variation, residue mobility, and thermodynamic stability) indicates that this missense variant is not expected to disrupt ERBB4 protein function with a negative predictive value of 80%. In summary, the available evidence is currently insufficient to determine the role of this variant in disease. Therefore, it has been classified as a Variant of Uncertain Significance.

Ambry Genetics
Classification: Likely benign for Inborn genetic diseases. Last evaluated: 2023-10-28. Review status: criteria provided, single submitter. Criteria: Ambry Variant Classification Scheme 2023. Collection method: clinical testing. Allele origin: germline.